The following is an entry in ClinVar:

NM_000702.4(ATP1A2):c.2710A>C (p.Thr904Pro)

Gene: ATP1A2 (ATPase Na+/K+ transporting subunit alpha 2; plus strand). Cytogenetic location: 1q23.2.
Variant type: single nucleotide variant.
Coding change: c.2710A>C on transcript NM_000702.4 (MANE Select); coding-DNA position 2710, A replaced by C.
Protein change: p.Thr904Pro; replaces threonine 904 with proline.
Molecular consequence: missense variant.
Genome position (GRCh38, 1-based): chr1:160,136,901, A>C. VCF-style: chr1-160136901-A-C. GRCh37 (hg19) VCF-style: chr1-160106691-A-C.
Other names: short protein forms T904P.
Identifiers: ClinVar variation 3721980 (VCV003721980.2).

ClinVar aggregate classification (germline): Uncertain significance (1 of 4 stars; one submission).

Conditions:
Familial hemiplegic migraine. Identifiers: MedGen C0338484, MONDO:0000700.

Submission:

Labcorp Genetics (formerly Invitae), Labcorp
Classification: Uncertain significance for Familial hemiplegic migraine. Last evaluated: 2024-10-01. Review status: criteria provided, single submitter. Criteria: Invitae Variant Classification Sherloc (09022015). Collection method: clinical testing. Allele origin: germline.
Comment: This sequence change replaces threonine, which is neutral and polar, with proline, which is neutral and non-polar, at codon 904 of the ATP1A2 protein (p.Thr904Pro). This variant is not present in population databases (gnomAD no frequency). This variant has not been reported in the literature in individuals affected with ATP1A2-related conditions. An algorithm developed to predict the effect of missense changes on protein structure and function (PolyPhen-2) suggests that this variant is likely to be disruptive. In summary, the available evidence is currently insufficient to determine the role of this variant in disease. Therefore, it has been classified as a Variant of Uncertain Significance.